The following is an entry in ClinVar:

NM_001122630.2(CDKN1C):c.523C>G (p.Pro175Ala)

Gene: CDKN1C (cyclin dependent kinase inhibitor 1C; minus strand). Cytogenetic location: 11p15.4.
Variant type: single nucleotide variant.
Coding change: c.523C>G on transcript NM_001122630.2 (MANE Select); coding-DNA position 523, C replaced by G.
Protein change: p.Pro175Ala; replaces proline 175 with alanine.
Molecular consequence: missense variant. On other transcripts: intron variant (1).
Genome position (GRCh38, 1-based): chr11:2,884,934, G>C on the plus strand (C>G on the coding strand, the complement: CDKN1C is on the minus strand). VCF-style: chr11-2884934-G-C. GRCh37 (hg19) VCF-style: chr11-2906164-G-C.
Other names: c.556C>G, p.Pro186Ala (NM_000076.2, NM_001362474.2); c.523C>G, p.Pro175Ala (NM_001122631.2); c.255+268C>G (NM_001362475.2); short protein forms P175A, P186A.
Identifiers: ClinVar variation 2160509 (VCV002160509.4), dbSNP rs1848943853, ClinGen allele CA379146472.
Genomic context (GRCh38, chr11:2,884,934, plus strand): 5'-GGGCCGGGGCCGGGGCTGGGGCCGGGGCCGCGACTGGAGCCGGGGCCGGAGCCGGAGCCG[G>C]AGCCGGGGCCGGGGCCGGGGCCAGGACCGCGACCGCGACCGGAGCCGCGACCGGAGCCGC-3'
Protein context (NP_001116102.1, residues 165-185): AVLAPAPAPA[Pro175Ala]APAPAPAPVA

ClinVar aggregate classification (germline): Uncertain significance (1 of 4 stars; one submission).

Conditions:
Beckwith-Wiedemann syndrome (BWS). Also called: Exomphalos macroglossia gigantism syndrome; EMG SYNDROME. Identifiers: Orphanet 116, MedGen C0004903, MONDO:0007534, OMIM 130650.

Submission:

Labcorp Genetics (formerly Invitae), Labcorp
Classification: Uncertain significance for Beckwith-Wiedemann syndrome. Last evaluated: 2024-07-24. Review status: criteria provided, single submitter. Criteria: Invitae Variant Classification Sherloc (09022015). Collection method: clinical testing. Allele origin: germline.
Comment: This sequence change replaces proline, which is neutral and non-polar, with alanine, which is neutral and non-polar, at codon 186 of the CDKN1C protein (p.Pro186Ala). The frequency data for this variant in the population databases is considered unreliable, as metrics indicate insufficient coverage at this position in the gnomAD database. This variant has not been reported in the literature in individuals affected with CDKN1C-related conditions. ClinVar contains an entry for this variant (Variation ID: 2160509). Advanced modeling of protein sequence and biophysical properties (such as structural, functional, and spatial information, amino acid conservation, physicochemical variation, residue mobility, and thermodynamic stability) performed at Invitae indicates that this missense variant is not expected to disrupt CDKN1C protein function with a negative predictive value of 80%. In summary, the available evidence is currently insufficient to determine the role of this variant in disease. Therefore, it has been classified as a Variant of Uncertain Significance.